The following is an entry in ClinVar:

ClinVar aggregate classification (germline): Uncertain significance (1 of 4 stars; one submission).

Conditions:
Pyogenic arthritis-pyoderma gangrenosum-acne syndrome (PAPA). Also called: FAMILIAL RECURRENT ARTHRITIS; PAPA SYNDROME. Identifiers: Orphanet 69126, MedGen C1858361, MONDO:0011462, OMIM 604416.

Allele frequency attached by ClinVar (database versions not stated): gnomAD exomes below 0.00001.
gnomAD v4.1: 2 of 1,544,966 alleles (0.00013%); highest among the groups gnomAD compares: Admixed American, 0.0039%; no homozygotes.

Submission:

Labcorp Genetics (formerly Invitae), Labcorp
Classification: Uncertain significance for Pyogenic arthritis-pyoderma gangrenosum-acne syndrome. Last evaluated: 2023-11-24. Review status: criteria provided, single submitter. Criteria: Invitae Variant Classification Sherloc (09022015). Collection method: clinical testing. Allele origin: germline.
Comment: This sequence change replaces lysine, which is basic and polar, with asparagine, which is neutral and polar, at codon 117 of the PSTPIP1 protein (p.Lys117Asn). This variant is not present in population databases (gnomAD no frequency). This variant has not been reported in the literature in individuals affected with PSTPIP1-related conditions. Advanced modeling of protein sequence and biophysical properties (such as structural, functional, and spatial information, amino acid conservation, physicochemical variation, residue mobility, and thermodynamic stability) performed at Invitae indicates that this missense variant is expected to disrupt PSTPIP1 protein function with a positive predictive value of 80%. In summary, the available evidence is currently insufficient to determine the role of this variant in disease. Therefore, it has been classified as a Variant of Uncertain Significance.

NM_003978.5(PSTPIP1):c.351G>T (p.Lys117Asn)

Gene: PSTPIP1 (proline-serine-threonine phosphatase interacting protein 1; plus strand). Cytogenetic location: 15q24.3.
Variant type: single nucleotide variant.
Coding change: c.351G>T on transcript NM_003978.5 (MANE Select); coding-DNA position 351, G replaced by T.
Protein change: p.Lys117Asn; replaces lysine 117 with asparagine.
Molecular consequence: missense variant. On other transcripts: non-coding transcript variant (1).
Genome position (GRCh38, 1-based): chr15:77,025,601, G>T. VCF-style: chr15-77025601-G-T. GRCh37 (hg19) VCF-style: chr15-77317942-G-T.
Other names: c.351G>T, p.Lys117Asn (NM_001321135.2, NM_001411086.1); c.324G>T, p.Lys108Asn (NM_001321136.2); c.546G>T, p.Lys182Asn (NM_001321137.1); short protein forms K108N, K182N, K117N.
Identifiers: ClinVar variation 2917931 (VCV002917931.3), dbSNP rs2542799091, ClinGen allele CA393519108.